The following is an entry in ClinVar:

ClinVar aggregate classification (germline): Pathogenic. Review status: criteria provided, multiple submitters, no conflicts (2 of 4 stars). 3 submissions from 3 submitters: Pathogenic (3). Last evaluated 2025-03-04.

Conditions:
Alpha-N-acetylgalactosaminidase deficiency. Identifiers: Orphanet 3137, MedGen C5848084, MONDO:0017779.
Alpha-N-acetylgalactosaminidase deficiency type 1. Also called: SCHINDLER DISEASE, TYPE I; ALPHA-N-ACETYLGALACTOSAMINIDASE DEFICIENCY, TYPE I; NAGA DEFICIENCY, TYPE I; NEUROAXONAL DYSTROPHY, SCHINDLER TYPE. Identifiers: Orphanet 3137, Orphanet 79279, Orphanet 79281, MedGen C1836544, MONDO:0012221, OMIM 609241.

Submissions (3):

Women's Health and Genetics/Laboratory Corporation of America, LabCorp
Classification: Pathogenic for Alpha-N-acetylgalactosaminidase deficiency. Last evaluated: 2025-03-04. Review status: criteria provided, single submitter. Criteria: LabCorp Variant Classification Summary - May 2015. Collection method: clinical testing. Allele origin: germline.
Comment: Variant summary: NAGA c.874C>T (p.Gln292X) results in a premature termination codon, predicted to cause a truncation of the encoded protein or absence of the protein due to nonsense mediated decay, which are commonly known mechanisms for disease. The variant was absent in 251486 control chromosomes. To our knowledge, no occurrence of c.874C>T in individuals affected with Schindler disease and no experimental evidence demonstrating its impact on protein function have been reported. ClinVar contains an entry for this variant (Variation ID: 2959509). Based on the evidence outlined above, the variant was classified as pathogenic.

Myriad Genetics, Inc.
Classification: Pathogenic for Alpha-N-acetylgalactosaminidase deficiency. Last evaluated: 2024-07-21. Review status: criteria provided, single submitter. Criteria: Myriad Autosomal Dominant, Autosomal Recessive and X-Linked Classification Criteria (2023). Collection method: clinical testing. Allele origin: unknown.
Comment: NM_000262.2(NAGA):c.874C>T(Q292*) is expected to be pathogenic in the context of NAGA-related disorders. This variant is predicted to lead to an abnormal or absent protein product due to the creation of a premature termination codon in NAGA, a gene where loss-of-function variants are known to be pathogenic. Please note: this variant was assessed in the context of healthy population screening.

Labcorp Genetics (formerly Invitae), Labcorp
Classification: Pathogenic for Alpha-N-acetylgalactosaminidase deficiency type 1. Last evaluated: 2024-02-07. Review status: criteria provided, single submitter. Criteria: Invitae Variant Classification Sherloc (09022015). Collection method: clinical testing. Allele origin: germline.
Comment: This sequence change creates a premature translational stop signal (p.Gln292*) in the NAGA gene. It is expected to result in an absent or disrupted protein product. Loss-of-function variants in NAGA are known to be pathogenic (PMID: 8782044, 11251574). This variant is not present in population databases (gnomAD no frequency). This variant has not been reported in the literature in individuals affected with NAGA-related conditions. For these reasons, this variant has been classified as Pathogenic.

Literature cited by the submitters: PubMed 8782044 (cited by Labcorp Genetics (formerly Invitae), Labcorp); PubMed 11251574 (cited by Labcorp Genetics (formerly Invitae), Labcorp).

NM_000262.3(NAGA):c.874C>T (p.Gln292Ter)

Gene: NAGA (alpha-N-acetylgalactosaminidase; minus strand). Cytogenetic location: 22q13.2.
Variant type: single nucleotide variant.
Coding change: c.874C>T on transcript NM_000262.3 (MANE Select); coding-DNA position 874, C replaced by T.
Protein change: p.Gln292Ter; replaces glutamine 292 with a stop codon.
Molecular consequence: nonsense.
Genome position (GRCh38, 1-based): chr22:42,062,910, G>A on the plus strand (C>T on the coding strand, the complement: NAGA is on the minus strand). VCF-style: chr22-42062910-G-A. GRCh37 (hg19) VCF-style: chr22-42458914-G-A.
Other names: c.874C>T, p.Gln292Ter (NM_001362848.1, NM_001362850.1); short protein forms Q292*.
Identifiers: ClinVar variation 2959509 (VCV002959509.5), dbSNP rs2519056409, ClinGen allele CA411767127.